The following is an entry in ClinVar:

ClinVar aggregate classification (germline): Uncertain significance (1 of 4 stars; one submission).

Conditions:
Baller-Gerold syndrome (BGS). Also called: CRANIOSYNOSTOSIS WITH RADIAL DEFECTS. Identifiers: Orphanet 1225, MedGen C0265308, MONDO:0009039, OMIM 218600.

Allele frequency attached by ClinVar (database versions not stated): ExAC 0.00004; gnomAD 0.00001; TOPMed 0.00001; gnomAD exomes 0.00002 and 0.00003.

Submission:

Labcorp Genetics (formerly Invitae), Labcorp
Classification: Uncertain significance for Baller-Gerold syndrome. Last evaluated: 2024-08-22. Review status: criteria provided, single submitter. Criteria: Invitae Variant Classification Sherloc (09022015). Collection method: clinical testing. Allele origin: germline.
Comment: This sequence change affects codon 145 of the RECQL4 mRNA. It is a 'silent' change, meaning that it does not change the encoded amino acid sequence of the RECQL4 protein. This variant is present in population databases (rs752154343, gnomAD 0.02%). This variant has not been reported in the literature in individuals affected with RECQL4-related conditions. ClinVar contains an entry for this variant (Variation ID: 842201). Algorithms developed to predict the effect of sequence changes on RNA splicing suggest that this variant may create or strengthen a splice site. In summary, the available evidence is currently insufficient to determine the role of this variant in disease. Therefore, it has been classified as a Variant of Uncertain Significance.

NM_004260.4(RECQL4):c.435A>G (p.Thr145=)

Gene: RECQL4 (RecQ like helicase 4; minus strand). Cytogenetic location: 8q24.3.
Variant type: single nucleotide variant.
Coding change: c.435A>G on transcript NM_004260.4 (MANE Select); coding-DNA position 435, A replaced by G.
Protein change: p.Thr145=; no amino-acid change (threonine 145 retained).
Molecular consequence: synonymous variant.
Genome position (GRCh38, 1-based): chr8:144,516,684, T>C on the plus strand (A>G on the coding strand, the complement: RECQL4 is on the minus strand). VCF-style: chr8-144516684-T-C. GRCh37 (hg19) VCF-style: chr8-145742068-T-C.
Identifiers: ClinVar variation 842201 (VCV000842201.7), dbSNP rs752154343, ClinGen allele CA4949295.